The following is an entry in ClinVar:

ClinVar aggregate classification (germline): Uncertain significance (1 of 4 stars; one submission).

Conditions:
Koolen-de Vries syndrome (KDVS). Identifiers: Orphanet 96169, MedGen C1864871, MONDO:0012496, OMIM 610443.

gnomAD v4.1: 1 of 1,614,196 alleles (0.000062%); highest among the groups gnomAD compares: South Asian, 0.0011%; no homozygotes.

Submission:

Labcorp Genetics (formerly Invitae), Labcorp
Classification: Uncertain significance for Koolen-de Vries syndrome. Last evaluated: 2021-09-17. Review status: criteria provided, single submitter. Criteria: Invitae Variant Classification Sherloc (09022015). Collection method: clinical testing. Allele origin: germline.
Comment: Due to the possible presence of a polymorphic segmental duplication, the location of the variant could not be unambiguously resolved. Variants with ambiguous mapping are still reported relative to the KANSL1 transcript. This sequence change replaces alanine with valine at codon 385 of the KANSL1 protein (p.Ala385Val). The alanine residue is highly conserved and there is a small physicochemical difference between alanine and valine. The frequency data for this variant in the population databases (ExAC) is considered unreliable due to the presence of homologous sequence, such as pseudogenes or paralogs, in the genome. This variant has not been reported in the literature in individuals with KANSL1-related conditions. Algorithms developed to predict the effect of missense changes on protein structure and function (SIFT, PolyPhen-2, Align-GVGD) all suggest that this variant is likely to be tolerated. Algorithms developed to predict the effect of sequence changes on RNA splicing suggest that this variant may create or strengthen a splice site. Until the location of this sequence change can be resolved, the clinical significance of this variant remains uncertain. It has been classified as a Variant of Uncertain Significance.

NM_015443.4(KANSL1):c.1154C>T (p.Ala385Val)

Gene: KANSL1 (KAT8 regulatory NSL complex subunit 1). Cytogenetic location: 17q21.31.
Variant type: single nucleotide variant.
Coding change: c.1154C>T on transcript NM_015443.4 (MANE Select); coding-DNA position 1154, C replaced by T.
Protein change: p.Ala385Val; replaces alanine 385 with valine.
Molecular consequence: missense variant.
Genome position (GRCh38, 1-based): chr17:46,170,990, G>A on the plus strand (C>T on the coding strand, the complement: KANSL1 is on the minus strand). VCF-style: chr17-46170990-G-A. GRCh37 (hg19) VCF-style: chr17-44248356-G-A.
Other names: c.1154C>T, p.Ala385Val (NM_001193465.2, NM_001193466.2, NM_001379198.1); short protein forms A385V.
Identifiers: ClinVar variation 1465386 (VCV001465386.5), dbSNP rs913316099, ClinGen allele CA399979015.
Genomic context (GRCh38, chr17:46,170,990, plus strand): 5'-CTGTCAGTGACATCTGAATCAAATGCCTGTTCACTGCACCTCAAGTTGGCTATGCCACTA[G>A]CTGTAAATCTCTCCAATTCTTCTGAAATTGAATTGCTTTTCAGAAAGTTGCTAAGTCCCT-3'
Protein context (NP_056258.1, residues 375-395): SISEELERFT[Ala385Val]SGIANLRCSE